The following is an entry in ClinVar:

NM_015404.4(WHRN):c.97_105dup (p.Leu35_Ser36insArgLeuLeu)

Gene: WHRN (whirlin; minus strand). Cytogenetic location: 9q32.
Variant type: Duplication.
Coding change: c.97_105dup on transcript NM_015404.4 (MANE Select); coding-DNA positions 97 to 105, 9 bases duplicated (CGGTTACTG; older notation c.97_105dupCGGTTACTG).
Protein change: p.Leu35_Ser36insArgLeuLeu.
Molecular consequence: inframe insertion.
Genome position (GRCh38, 1-based): chr9:114,504,697-114,504,705, CAGTAACCG duplicated on the plus strand (CGGTTACTG on the coding strand, the reverse complement: WHRN is on the minus strand); duplicating any 9 consecutive bases within chr9:114,504,697-114,504,708 gives the same sequence; the c. name uses the placement nearest the transcript's 3' end. VCF-style (leftmost placement, unchanged base first): chr9-114504696-A-ACAGTAACCG. GRCh37 (hg19) VCF-style: chr9-117266976-A-ACAGTAACCG.
Other names: c.97_105dup, p.Leu35_Ser36insArgLeuLeu (NM_001173425.2).
Identifiers: ClinVar variation 1996553 (VCV001996553.4), dbSNP rs2493930835, ClinGen allele CA2580079472.

ClinVar aggregate classification (germline): Uncertain significance (1 of 4 stars; one submission).

Submission:

Labcorp Genetics (formerly Invitae), Labcorp
Classification: Uncertain significance. Last evaluated: 2023-07-07. Review status: criteria provided, single submitter. Criteria: Invitae Variant Classification Sherloc (09022015). Collection method: clinical testing. Allele origin: germline.
Comment: This variant, c.97_105dup, results in the insertion of 3 amino acid(s) of the WHRN protein (p.Arg33_Leu35dup), but otherwise preserves the integrity of the reading frame. This variant is not present in population databases (gnomAD no frequency). This variant has not been reported in the literature in individuals affected with WHRN-related conditions. ClinVar contains an entry for this variant (Variation ID: 1996553). In summary, the available evidence is currently insufficient to determine the role of this variant in disease. Therefore, it has been classified as a Variant of Uncertain Significance.